The following is an entry in ClinVar:

ClinVar aggregate classification (germline): Benign/Likely benign. Review status: criteria provided, multiple submitters, no conflicts (2 of 4 stars). 8 submissions from 8 submitters: Benign (5); Likely benign (2). 1 of the submissions does not count toward it. Last evaluated 2026-02-04.

Conditions:
FANCI-related disorder. Also called: FANCI-related condition.
Fanconi anemia complementation group I (FANCI). Also called: FANCI-Related Fanconi Anemia. Identifiers: Orphanet 84, MedGen C1836861, MONDO:0012186, OMIM 609053.
Fanconi anemia (FA). Also called: Fanconi's anemia. Identifiers: Orphanet 84, MedGen C0015625, MeSH D005199, MONDO:0019391.

Allele frequency attached by ClinVar (database versions not stated): ESP Exome Variant Server 0.00077; gnomAD 0.00228 and 0.00297; gnomAD exomes 0.00289 and 0.00572; TOPMed 0.00345; ExAC 0.00509; 1000 Genomes Project 30x 0.01296; 1000 Genomes Project 0.01358.
gnomAD v4.1: 4,663 of 1,614,208 alleles (0.29%); highest among the groups gnomAD compares: East Asian, 5.8%; 91 homozygotes.

Submissions (8):

Labcorp Genetics (formerly Invitae), Labcorp
Classification: Benign for Fanconi anemia. Last evaluated: 2026-02-04. Review status: criteria provided, single submitter. Criteria: Invitae Variant Classification Sherloc (09022015). Collection method: clinical testing. Allele origin: germline.

ARUP Laboratories, Molecular Genetics and Genomics, ARUP Laboratories
Classification: Benign for Fanconi anemia complementation group I. Last evaluated: 2025-07-28. Review status: criteria provided, single submitter. Criteria: ARUP Molecular Germline Variant Investigation Process 2024. Collection method: clinical testing. Allele origin: germline.

Blueprint Genetics
Classification: Likely benign. Last evaluated: 2024-10-31. Review status: criteria provided, single submitter. Criteria: ACMG Guidelines, 2015. Collection method: clinical testing. Allele origin: germline.

KCCC/NGS Laboratory, Kuwait Cancer Control Center
Classification: Benign for Fanconi anemia complementation group I. Last evaluated: 2023-07-07. Review status: criteria provided, single submitter. Criteria: ACMG Guidelines, 2015. Collection method: clinical testing. Allele origin: germline. Affected: yes.

Fulgent Genetics
Classification: Likely benign for Fanconi anemia complementation group I. Last evaluated: 2022-01-06. Review status: criteria provided, single submitter. Criteria: ACMG Guidelines, 2015. Collection method: clinical testing. Allele origin: unknown.

Illumina Laboratory Services, Illumina
Classification: Benign for Fanconi anemia complementation group I. Last evaluated: 2018-01-12. Review status: criteria provided, single submitter. Criteria: ICSL Variant Classification Criteria 13 December 2019. Collection method: clinical testing. Allele origin: germline.
Comment: This variant was observed in the ICSL laboratory as part of a predisposition screen in an ostensibly healthy population. It had not been previously curated by ICSL or reported in the Human Gene Mutation Database (HGMD: prior to June 1st, 2018), and was therefore a candidate for classification through an automated scoring system. Utilizing variant allele frequency, disease prevalence and penetrance estimates, and inheritance mode, an automated score was calculated to assess if this variant is too frequent to cause the disease. Based on the score and internal cut-off values, a variant classified as benign is not then subjected to further curation. The score for this variant resulted in a classification of benign for this disease.

Breakthrough Genomics
Classification: Benign. Review status: criteria provided, single submitter. Criteria: ACMG Guidelines, 2015. Collection method: not provided. Allele origin: germline. Inheritance: Autosomal recessive inheritance. Affected: yes.

PreventionGenetics, part of Exact Sciences
Classification: Benign for FANCI-related condition. Last evaluated: 2019-08-08. Review status: no assertion criteria provided. Collection method: clinical testing. Allele origin: germline. Not counted in ClinVar's aggregate classification.
Comment: This variant is classified as benign based on ACMG/AMP sequence variant interpretation guidelines (Richards et al. 2015 PMID: 25741868, with internal and published modifications).

NM_001113378.2(FANCI):c.1179T>C (p.Tyr393=)

Gene: FANCI (FA complementation group I; plus strand). Cytogenetic location: 15q26.1.
Variant type: single nucleotide variant.
Coding change: c.1179T>C on transcript NM_001113378.2 (MANE Select); coding-DNA position 1179, T replaced by C.
Protein change: p.Tyr393=; no amino-acid change (tyrosine 393 retained).
Molecular consequence: synonymous variant.
Genome position (GRCh38, 1-based): chr15:89,276,777, T>C. VCF-style: chr15-89276777-T-C. GRCh37 (hg19) VCF-style: chr15-89820008-T-C.
Other names: c.900T>C, p.Tyr300= (NM_001376910.1); c.1179T>C, p.Tyr393= (NM_001376911.1, NM_018193.3).
Identifiers: ClinVar variation 317273 (VCV000317273.23), dbSNP rs3743377, ClinGen allele CA7722941.